The following is an entry in ClinVar:

ClinVar aggregate classification (germline): Uncertain significance (1 of 4 stars; one submission).

Conditions:
Inborn genetic diseases. Identifiers: MedGen C0950123, MeSH D030342.

Allele frequency attached by ClinVar (database versions not stated): TOPMed below 0.00001.

Submission:

Ambry Genetics
Classification: Uncertain significance for Inborn genetic diseases. Last evaluated: 2022-08-01. Review status: criteria provided, single submitter. Criteria: Ambry Variant Classification Scheme 2023. Collection method: clinical testing. Allele origin: germline.
Comment: The p.N2292H variant (also known as c.6874A>C), located in coding exon 47 of the LRRK2 gene, results from an A to C substitution at nucleotide position 6874. The asparagine at codon 2292 is replaced by histidine, an amino acid with similar properties. This amino acid position is conserved. In addition, this alteration is predicted to be tolerated by in silico analysis. Since supporting evidence is limited at this time, the clinical significance of this alteration remains unclear.

NM_198578.4(LRRK2):c.6874A>C (p.Asn2292His)

Gene: LRRK2 (leucine rich repeat kinase 2; plus strand). Cytogenetic location: 12q12.
Variant type: single nucleotide variant.
Coding change: c.6874A>C on transcript NM_198578.4 (MANE Select); coding-DNA position 6874, A replaced by C.
Protein change: p.Asn2292His; replaces asparagine 2292 with histidine.
Molecular consequence: missense variant.
Genome position (GRCh38, 1-based): chr12:40,359,290, A>C. VCF-style: chr12-40359290-A-C. GRCh37 (hg19) VCF-style: chr12-40753092-A-C.
Other names: short protein forms N2292H.
Identifiers: ClinVar variation 1755898 (VCV001755898.2), dbSNP rs1269707447, ClinGen allele CA384411386.